The following is an entry in ClinVar:

NM_001161352.2(KCNMA1):c.*394C>A

Gene: KCNMA1 (potassium calcium-activated channel subfamily M alpha 1; minus strand). Cytogenetic location: 10q22.3.
Variant type: single nucleotide variant.
Coding change: c.*394C>A on transcript NM_001161352.2 (MANE Select); 394 bases downstream of the stop codon, C replaced by A.
Molecular consequence: 3 prime UTR variant. On other transcripts: intron variant (7).
Genome position (GRCh38, 1-based): chr10:76,886,872, G>T on the plus strand (C>A on the coding strand, the complement: KCNMA1 is on the minus strand). VCF-style: chr10-76886872-G-T. GRCh37 (hg19) VCF-style: chr10-78646630-G-T.
Other names: c.*394C>A (NM_001161353.2, NM_001271519.2, NM_001322836.2 and 2 more transcripts); c.3362+419C>A (NM_001271518.2); c.3512+419C>A (NM_001322832.2); c.3521+419C>A (NM_001322829.2); c.3524+419C>A (NM_001014797.3); c.3605+419C>A (NM_001322835.2); c.3614+419C>A (NM_001322830.2); c.3059+419C>A (NM_001322838.2).
Identifiers: ClinVar variation 300954 (VCV000300954.29), dbSNP rs41281550, ClinGen allele CA10636025.
Genomic context (GRCh38, chr10:76,886,872, plus strand): 5'-TTGTGTGTATAAAAAAAGAAAGAAAGGAAAACAACAACAACAACAAAATCAAAACCCAAA[G>T]CACCCTGATAATCCTGATAAATCAGAATCAACTTTTCTTTTACATTAAATAAACTTGCTC-3'

ClinVar aggregate classification (germline): Conflicting classifications of pathogenicity. Review status: criteria provided, conflicting classifications (1 of 4 stars). 2 submissions from 2 submitters: Uncertain significance (1); Likely benign (1). Last evaluated 2023-07-01.

Conditions:
Generalized epilepsy-paroxysmal dyskinesia syndrome (PNKD3). Also called: Generalized epilepsy and paroxysmal dyskinesia; Paroxysmal nonkinesigenic dyskinesia, 3, with or without generalized epilepsy. Identifiers: Orphanet 79137, MedGen C5574945, MONDO:0012276, OMIM 609446.

Allele frequency attached by ClinVar (database versions not stated): 1000 Genomes Project 30x 0.00125; 1000 Genomes Project 0.00140; TOPMed 0.00283; gnomAD 0.00285 and 0.00287.
gnomAD v4.1: 4,862 of 1,095,434 alleles (0.44%); highest among the groups gnomAD compares: Non-Finnish European, 0.5%; 10 homozygotes.

Submissions (2):

CeGaT Center for Human Genetics Tuebingen
Classification: Likely benign. Last evaluated: 2023-07-01. Review status: criteria provided, single submitter. Criteria: CeGaT Center For Human Genetics Tuebingen Variant Classification Criteria Version 2. Collection method: clinical testing. Allele origin: germline. Affected: yes. Observed: 4 variant alleles.
Comment: KCNMA1: BS2

Illumina Laboratory Services, Illumina
Classification: Uncertain significance for Generalized epilepsy-paroxysmal dyskinesia syndrome. Last evaluated: 2018-01-13. Review status: criteria provided, single submitter. Criteria: ICSL Variant Classification Criteria 13 December 2019. Collection method: clinical testing. Allele origin: germline.